The following is an entry in ClinVar:

ClinVar aggregate classification (germline): Uncertain significance (1 of 4 stars; one submission).

Allele frequency attached by ClinVar (database versions not stated): gnomAD 0.00003 and 0.00004; gnomAD exomes 0.00003 and 0.00015; ExAC 0.00005; TOPMed 0.00005.
gnomAD v4.1: 214 of 1,601,310 alleles (0.013%); highest among the groups gnomAD compares: Non-Finnish European, 0.018%; no homozygotes.

Submission:

Labcorp Genetics (formerly Invitae), Labcorp
Classification: Uncertain significance. Last evaluated: 2024-04-18. Review status: criteria provided, single submitter. Criteria: Invitae Variant Classification Sherloc (09022015). Collection method: clinical testing. Allele origin: germline.
Comment: This sequence change replaces cysteine, which is neutral and slightly polar, with glycine, which is neutral and non-polar, at codon 73 of the ITGAM protein (p.Cys73Gly). This variant is present in population databases (rs746544530, gnomAD 0.02%). This variant has not been reported in the literature in individuals affected with ITGAM-related conditions. ClinVar contains an entry for this variant (Variation ID: 1513887). An algorithm developed to predict the effect of missense changes on protein structure and function (PolyPhen-2) suggests that this variant is likely to be disruptive. In summary, the available evidence is currently insufficient to determine the role of this variant in disease. Therefore, it has been classified as a Variant of Uncertain Significance.

NM_000632.4(ITGAM):c.217T>G (p.Cys73Gly)

Genes: ITGAM (integrin subunit alpha M; plus strand), LOC126862331 (P300/CBP strongly-dependent group 1 enhancer GRCh37_chr16:31276375-31277574; plus strand). Cytogenetic location: 16p11.2.
Variant type: single nucleotide variant.
Coding change: c.217T>G on transcript NM_000632.4 (MANE Select); coding-DNA position 217, T replaced by G.
Protein change: p.Cys73Gly; replaces cysteine 73 with glycine.
Molecular consequence: missense variant.
Genome position (GRCh38, 1-based): chr16:31,265,477, T>G. VCF-style: chr16-31265477-T-G. GRCh37 (hg19) VCF-style: chr16-31276798-T-G.
Other names: c.217T>G, p.Cys73Gly (NM_001145808.2); short protein forms C73G.
Identifiers: ClinVar variation 1513887 (VCV001513887.8), dbSNP rs746544530, ClinGen allele CA8025149.